The following is an entry in ClinVar:

NM_001379403.1(WDR26):c.1103A>C (p.Lys368Thr)

Gene: WDR26 (WD repeat domain 26; minus strand). Cytogenetic location: 1q42.12.
Variant type: single nucleotide variant.
Coding change: c.1103A>C on transcript NM_001379403.1 (MANE Select); coding-DNA position 1103, A replaced by C.
Protein change: p.Lys368Thr; replaces lysine 368 with threonine.
Molecular consequence: missense variant.
Genome position (GRCh38, 1-based): chr1:224,419,577, T>G on the plus strand (A>C on the coding strand, the complement: WDR26 is on the minus strand). VCF-style: chr1-224419577-T-G. GRCh37 (hg19) VCF-style: chr1-224607279-T-G.
Other names: c.755A>C, p.Lys252Thr (NM_001115113.3); c.803A>C, p.Lys268Thr (NM_025160.7); short protein forms K252T, K268T, K368T.
Identifiers: ClinVar variation 3372153 (VCV003372153.1).
Genomic context (GRCh38, chr1:224,419,577, plus strand): 5'-CTCTGAAGTTTATCCAATAGTTTAGATCGGGAAGCTGTCCCTTTGCCTTCCCATTCTGCT[T>G]TTGCACGTAGGTCTTCTGCATGGCTACACATCAGATACCTAAAAATACAACAGAGAAAGC-3'
Protein context (NP_001366332.1, residues 358-378): MCSHAEDLRA[Lys368Thr]AEWEGKGTAS

ClinVar aggregate classification (germline): Uncertain significance (1 of 4 stars; one submission).

Submission:

GeneDx
Classification: Uncertain significance. Last evaluated: 2024-04-09. Review status: criteria provided, single submitter. Criteria: GeneDx Variant Classification Process June 2021. Collection method: clinical testing. Allele origin: germline. Affected: yes.
Comment: Not observed at significant frequency in large population cohorts (gnomAD); In silico analysis supports that this missense variant has a deleterious effect on protein structure/function; Has not been previously published as pathogenic or benign to our knowledge